The following is an entry in ClinVar:

NM_005902.4(SMAD3):c.871G>A (p.Gly291Arg)

Gene: SMAD3 (SMAD family member 3; plus strand). Cytogenetic location: 15q22.33.
Variant type: single nucleotide variant.
Coding change: c.871G>A on transcript NM_005902.4 (MANE Select); coding-DNA position 871, G replaced by A.
Protein change: p.Gly291Arg; replaces glycine 291 with arginine.
Molecular consequence: missense variant.
Genome position (GRCh38, 1-based): chr15:67,181,453, G>A. VCF-style: chr15-67181453-G-A. GRCh37 (hg19) VCF-style: chr15-67473791-G-A.
Other names: c.556G>A, p.Gly186Arg (NM_001145102.2); c.739G>A, p.Gly247Arg (NM_001145103.2); c.286G>A, p.Gly96Arg (NM_001145104.2); short protein forms G291R, G186R, G96R, G247R.
Identifiers: ClinVar variation 180525 (VCV000180525.12), dbSNP rs730880215, ClinGen allele CA020150.

ClinVar aggregate classification (germline): Uncertain significance. Review status: criteria provided, multiple submitters, no conflicts (2 of 4 stars). 2 submissions from 2 submitters: Uncertain significance (2). Last evaluated 2025-04-20.

Conditions:
Familial thoracic aortic aneurysm and aortic dissection (TAAD). Also called: Thoracic aortic aneurysms and dissections. Identifiers: Orphanet 91387, MedGen C4707243, MONDO:0019625.

Allele frequency attached by ClinVar (database versions not stated): gnomAD exomes below 0.00001.
gnomAD v4.1: 2 of 1,609,788 alleles (0.00012%); highest among the groups gnomAD compares: Non-Finnish European, 0.000085%; no homozygotes.

Submissions (3):

Labcorp Genetics (formerly Invitae), Labcorp
Classification: Uncertain significance for Familial thoracic aortic aneurysm and aortic dissection. Last evaluated: 2025-04-20. Review status: criteria provided, single submitter. Criteria: Invitae Variant Classification Sherloc (09022015). Collection method: clinical testing. Allele origin: germline.
Comment: This sequence change replaces glycine, which is neutral and non-polar, with arginine, which is basic and polar, at codon 291 of the SMAD3 protein (p.Gly291Arg). This variant also falls at the last nucleotide of exon 6, which is part of the consensus splice site for this exon. This variant is present in population databases (rs730880215, gnomAD 0.003%). This missense change has been observed in individual(s) with clinical features of SMAD3-related conditions (internal data). ClinVar contains an entry for this variant (Variation ID: 180525). An algorithm developed to predict the effect of missense changes on protein structure and function (PolyPhen-2) suggests that this variant is likely to be disruptive. Variants that disrupt the consensus splice site are a relatively common cause of aberrant splicing (PMID: 17576681, 9536098). Algorithms developed to predict the effect of sequence changes on RNA splicing suggest that this variant may disrupt the consensus splice site. In summary, the available evidence is currently insufficient to determine the role of this variant in disease. Therefore, it has been classified as a Variant of Uncertain Significance.

Women's Health and Genetics/Laboratory Corporation of America, LabCorp
Classification: Uncertain significance. Last evaluated: 2025-03-31. Review status: criteria provided, single submitter. Criteria: LabCorp Variant Classification Summary - May 2015. Collection method: clinical testing. Allele origin: germline.
Comment: Variant summary: SMAD3 c.871G>A (p.Gly291Arg) results in a non-conservative amino acid change in the encoded protein sequence. Five of five in-silico tools predict a damaging effect of the variant on protein function. Several computational tools predict a significant impact on normal splicing: Two predict the variant abolishes a 5' splicing donor site. Two predict the variant weakens a 5' donor site. However, these predictions have yet to be confirmed by functional studies. The variant allele was found at a frequency of 4.1e-06 in 244872 control chromosomes. The available data on variant occurrences in the general population are insufficient to allow any conclusion about variant significance. To our knowledge, no occurrence of c.871G>A in individuals affected with Aortopathy and no experimental evidence demonstrating its impact on protein function have been reported. ClinVar contains an entry for this variant (Variation ID: 180525). Based on the evidence outlined above, the variant was classified as uncertain significance.

Dr. Peter K. Rogan Lab, Western University
No classification provided (evidence only). Condition: Cervical cancer. Review status: no classification provided. Collection method: in vitro. Allele origin: not applicable. Functional consequence: skipped exon, retained intron. Not counted in ClinVar's aggregate classification.

Literature cited by the submitters: PubMed 17576681 (cited by Labcorp Genetics (formerly Invitae), Labcorp); PubMed 9536098 (cited by Labcorp Genetics (formerly Invitae), Labcorp).